The following is an entry in ClinVar:

ClinVar aggregate classification (germline): Uncertain significance (1 of 4 stars; one submission).

Submission:

CeGaT Center for Human Genetics Tuebingen
Classification: Uncertain significance. Last evaluated: 2026-09-01. Review status: criteria provided, single submitter. Criteria: CeGaT Center For Human Genetics Tuebingen Variant Classification Criteria Version 2. Collection method: clinical testing. Allele origin: germline. Affected: yes. Observed: 1 variant allele.
Comment: RYR3: PM2

NM_001036.6(RYR3):c.12851T>G (p.Leu4284Arg)

Gene: RYR3 (ryanodine receptor 3; plus strand). Cytogenetic location: 15q14.
Variant type: single nucleotide variant.
Coding change: c.12851T>G on transcript NM_001036.6 (MANE Select); coding-DNA position 12851, T replaced by G.
Protein change: p.Leu4284Arg; replaces leucine 4284 with arginine.
Molecular consequence: missense variant.
Genome position (GRCh38, 1-based): chr15:33,838,831, T>G. VCF-style: chr15-33838831-T-G. GRCh37 (hg19) VCF-style: chr15-34131032-T-G.
Other names: c.12836T>G, p.Leu4279Arg (NM_001243996.4); short protein forms L4279R, L4284R.
Identifiers: ClinVar variation 5041735 (VCV005041735.1).